The following is an entry in ClinVar:

NM_006384.4(CIB1):c.87-110G>C

Gene: CIB1 (calcium and integrin binding 1; minus strand). Cytogenetic location: 15q26.1.
Variant type: single nucleotide variant.
Coding change: c.87-110G>C on transcript NM_006384.4 (MANE Select); 110 bases into the intron before coding-DNA position 87, G replaced by C.
Molecular consequence: intron variant. On other transcripts: missense variant (1).
Genome position (GRCh38, 1-based): chr15:90,232,437, C>G on the plus strand (G>C on the coding strand, the complement: CIB1 is on the minus strand). VCF-style: chr15-90232437-C-G. GRCh37 (hg19) VCF-style: chr15-90775669-C-G.
Other names: c.97G>C, p.Val33Leu (NM_001277764.2); short protein forms V33L.
Identifiers: ClinVar variation 1399596 (VCV001399596.4), dbSNP rs979488875, ClinGen allele CA274661162.

ClinVar aggregate classification (germline): Uncertain significance (1 of 4 stars; one submission).

Allele frequency attached by ClinVar (database versions not stated): TOPMed 0.00007; gnomAD 0.00011.
gnomAD v4.1: 149 of 1,439,868 alleles (0.01%); highest among the groups gnomAD compares: Non-Finnish European, 0.013%; no homozygotes.

Submission:

Labcorp Genetics (formerly Invitae), Labcorp
Classification: Uncertain significance. Last evaluated: 2025-01-29. Review status: criteria provided, single submitter. Criteria: Invitae Variant Classification Sherloc (09022015). Collection method: clinical testing. Allele origin: germline.
Comment: This sequence change replaces valine, which is neutral and non-polar, with leucine, which is neutral and non-polar, at codon 33 of the CIB1 protein (p.Val33Leu). This variant is present in population databases (no rsID available, gnomAD 0.03%). This variant has not been reported in the literature in individuals affected with CIB1-related conditions. ClinVar contains an entry for this variant (Variation ID: 1399596). Experimental studies and prediction algorithms are not available or were not evaluated, and the functional significance of this variant is currently unknown. In summary, the available evidence is currently insufficient to determine the role of this variant in disease. Therefore, it has been classified as a Variant of Uncertain Significance.